The following is an entry in ClinVar:

ClinVar aggregate classification (germline): Pathogenic (3 of 4 stars; one submission).

Conditions:
Phenylketonuria (PKU). Also called: Phenylketonurias; FOLLING DISEASE; Phenylketonuria (PKU); OLIGOPHRENIA PHENYLPYRUVICA. Identifiers: Orphanet 716, MedGen C0031485, MONDO:0009861, OMIM 261600. Disease mechanism: loss of function.

Submission:

ClinGen PAH Variant Curation Expert Panel
Classification: Pathogenic for Phenylketonuria. Last evaluated: 2022-06-12. Review status: reviewed by expert panel. Criteria: ClinGen PAH ACMG Specifications v1. Collection method: curation. Allele origin: germline. Inheritance: Autosomal recessive inheritance.
Comment: The c.1078G>T (p.Glu360Ter) nonsense variant occurs in exon 11 of 13 and is predicted to result in NMD. It absent from population databases, including gnomAD. It has been reported in at least one HPA patient (PMID: 10693064 ). In summary, this variant meets criteria to be classified as pathogenic for PAH. PAH-specific ACMG/AMP criteria applied: PVS1, PM2, PP4.

NM_000277.3(PAH):c.1078G>T (p.Glu360Ter)

Gene: PAH (phenylalanine hydroxylase; minus strand). Cytogenetic location: 12q23.2.
Variant type: single nucleotide variant.
Coding change: c.1078G>T on transcript NM_000277.3 (MANE Select); coding-DNA position 1078, G replaced by T.
Protein change: p.Glu360Ter; replaces glutamic acid 360 with a stop codon.
Molecular consequence: nonsense.
Genome position (GRCh38, 1-based): chr12:102,843,767, C>A on the plus strand (G>T on the coding strand, the complement: PAH is on the minus strand). VCF-style: chr12-102843767-C-A. GRCh37 (hg19) VCF-style: chr12-103237545-C-A.
Other names: NM_001354304.2:c.1078G>T; c.1078G>T, p.Glu360Ter (NM_001354304.2); short protein forms E360*.
Identifiers: ClinVar variation 1693236 (VCV001693236.1), dbSNP rs2136635903, ClinGen allele CA16020935.